The following is an entry in ClinVar:

NM_001130009.3(GEN1):c.2126C>T (p.Ala709Val)

Gene: GEN1 (GEN1 Holliday junction 5' flap endonuclease; plus strand). Cytogenetic location: 2p24.2.
Variant type: single nucleotide variant.
Coding change: c.2126C>T on transcript NM_001130009.3 (MANE Select); coding-DNA position 2126, C replaced by T.
Protein change: p.Ala709Val; replaces alanine 709 with valine.
Molecular consequence: missense variant.
Genome position (GRCh38, 1-based): chr2:17,781,338, C>T. VCF-style: chr2-17781338-C-T. GRCh37 (hg19) VCF-style: chr2-17962605-C-T.
Other names: c.2126C>T, p.Ala709Val (NM_182625.5); short protein forms A709V.
Identifiers: ClinVar variation 3853608 (VCV003853608.1).
Genomic context (GRCh38, chr2:17,781,338, plus strand): 5'-TACAACCAGATGTCAACCTGAAAACTTTGTCCATACTTAGTGTAAAAGAATCTTGTATTG[C>T]TAACAGTGGTTCTGATTGTACATCACATCTTTCAAAGGATCTTCCAGGAATTCCCTTGCA-3'
Protein context (NP_001123481.3, residues 699-719): SILSVKESCI[Ala709Val]NSGSDCTSHL

ClinVar aggregate classification (germline): Uncertain significance (1 of 4 stars; one submission).

gnomAD v4.1: 1 of 1,613,672 alleles (0.000062%); highest among the groups gnomAD compares: Non-Finnish European, 0.000085%; no homozygotes.

Submission:

Ambry Genetics
Classification: Uncertain significance. Last evaluated: 2025-03-02. Review status: criteria provided, single submitter. Criteria: Ambry Variant Classification Scheme 2023. Collection method: clinical testing. Allele origin: germline.
Comment: The p.A709V variant (also known as c.2126C>T), located in coding exon 13 of the GEN1 gene, results from a C to T substitution at nucleotide position 2126. The alanine at codon 709 is replaced by valine, an amino acid with similar properties. This amino acid position is conserved. In addition, this alteration is predicted to be tolerated by in silico analysis. Based on the available evidence, the clinical significance of this variant remains unclear.